The following is an entry in ClinVar:

ClinVar aggregate classification (germline): Pathogenic (1 of 4 stars; one submission).

Conditions:
Arginase deficiency. Also called: ARGININEMIA; ARG1 DEFICIENCY; Arginase 1 Deficiency. Identifiers: Orphanet 90, MedGen C0268548, MONDO:0008814, OMIM 207800.

Submission:

Myriad Genetics, Inc.
Classification: Pathogenic for Arginase deficiency. Last evaluated: 2026-03-06. Review status: criteria provided, single submitter. Criteria: Myriad Autosomal Dominant, Autosomal Recessive and X-Linked Classification Criteria (2023). Collection method: clinical testing. Allele origin: unknown.
Comment: NM_000045.3(ARG1):c.849delG(K284Rfs*6) is a frameshift variant classified as pathogenic in the context of argininemia. K284Rfs*6 has been observed in a case with relevant disease (PMID: 29726057). Relevant functional assessments of this variant are not available in the literature. K284Rfs*6 has not been observed in referenced population frequency databases. In summary, NM_000045.3(ARG1):c.849delG(K284Rfs*6) is a frameshift variant in a gene where loss of function is a known mechanism of disease, is predicted to disrupt protein function, and has been observed more frequently in cases with the relevant disease than in healthy populations. Please note: this variant was assessed in the context of healthy population screening.

Literature cited by the submitters: PubMed 29726057.

NM_000045.4(ARG1):c.849del (p.Lys284fs)

Genes: ARG1 (arginase 1; plus strand), MED23 (mediator complex subunit 23; minus strand). Cytogenetic location: 6q23.2.
Variant type: Deletion.
Coding change: c.849del on transcript NM_000045.4 (MANE Select); coding-DNA position 849, one base deleted (G; older notation c.849delG).
Protein change: p.Lys284fs; shifts the reading frame from lysine 284.
Molecular consequence: frameshift variant. On other transcripts: non-coding transcript variant (1), intron variant (2).
Genome position (GRCh38, 1-based): chr6:131,583,788, G deleted; the last of 4 consecutive G bases (chr6:131,583,785-131,583,788); deleting any one gives the same sequence. VCF-style (leftmost placement, unchanged base first): chr6-131583784-TG-T. GRCh37 (hg19) VCF-style: chr6-131904924-TG-T.
Other names: c.873del, p.Lys292fs (NM_001244438.2); c.594del, p.Lys199fs (NM_001369020.1); c.4077+3924del (NM_001270521.2); c.4095+3924del (NM_015979.4); short protein forms K292fs, K199fs, K284fs.
Identifiers: ClinVar variation 5003639 (VCV005003639.1).